The following is an entry in ClinVar:

ClinVar aggregate classification (germline): Uncertain significance. Review status: criteria provided, multiple submitters, no conflicts (2 of 4 stars). 3 submissions from 3 submitters: Uncertain significance (2). 1 of the submissions does not count toward it. Last evaluated 2024-01-29.

Conditions:
Lymphatic malformation 12 (LMPHM12). Also called: CENTRAL CONDUCTING LYMPHATIC ANOMALY. Identifiers: MedGen C5774203, MONDO:0031043, OMIM 620014.

Allele frequency attached by ClinVar (database versions not stated): gnomAD exomes 0.00002 and 0.00009; gnomAD 0.00003 and 0.00005; TOPMed 0.00005; ExAC 0.00012; 1000 Genomes Project 30x 0.00047; 1000 Genomes Project 0.00060.
gnomAD v4.1: 28 of 1,611,918 alleles (0.0017%); highest among the groups gnomAD compares: East Asian, 0.062%; no homozygotes.

Submissions (3):

Medical Genetics Center, Maternal and Child Health Hospital of Hubei Province
Classification: Uncertain significance for Lymphatic malformation 12. Last evaluated: 2024-01-29. Review status: criteria provided, single submitter. Criteria: ACMG Guidelines, 2015. Collection method: clinical testing. Allele origin: biparental. Affected: yes.
Comment: PM3+PP1+PM2_Supporting

Juno Genomics, Hangzhou Juno Genomics, Inc
Classification: Uncertain significance for Lymphatic malformation 12. Review status: criteria provided, single submitter. Criteria: ACMG Guidelines, 2015. Collection method: clinical testing. Allele origin: germline.
Comment: For recessive disorders, detected in trans with a pathogenic variant.;Co-segregation with disease in multiple affected family members.;Patient's phenotype or family history is highly specific for a disease with a single genetic etiology.

OMIM
Classification: Pathogenic for LYMPHATIC MALFORMATION 12. Last evaluated: 2022-08-23. Review status: no assertion criteria provided. Collection method: literature only. Allele origin: germline. Not counted in ClinVar's aggregate classification.

Literature cited by the submitters: PubMed 35235341 (cited by Medical Genetics Center, Maternal and Child Health Hospital of Hubei Province and OMIM); PubMed 36658419 (cited by Medical Genetics Center, Maternal and Child Health Hospital of Hubei Province).

NM_001166345.3(MDFIC):c.732T>G (p.Phe244Leu)

Gene: MDFIC (MyoD family inhibitor domain containing; plus strand). Cytogenetic location: 7q31.2.
Variant type: single nucleotide variant.
Coding change: c.732T>G on transcript NM_001166345.3 (MANE Select); coding-DNA position 732, T replaced by G.
Protein change: p.Phe244Leu; replaces phenylalanine 244 with leucine.
Molecular consequence: missense variant.
Genome position (GRCh38, 1-based): chr7:115,015,926, T>G. VCF-style: chr7-115015926-T-G. GRCh37 (hg19) VCF-style: chr7-114655980-T-G.
Other names: c.1059T>G, p.Phe353Leu (NM_199072.5); short protein forms F244L, F353L.
Identifiers: ClinVar variation 1702939 (VCV001702939.5), dbSNP rs77149653, ClinGen allele CA4446801.